The following is an entry in ClinVar:

NM_016122.3(CEP83):c.1292G>A (p.Arg431Gln)

Gene: CEP83 (centrosomal protein 83; minus strand). Cytogenetic location: 12q22.
Variant type: single nucleotide variant.
Coding change: c.1292G>A on transcript NM_016122.3 (MANE Select); coding-DNA position 1292, G replaced by A.
Protein change: p.Arg431Gln; replaces arginine 431 with glutamine.
Molecular consequence: missense variant. On other transcripts: non-coding transcript variant (1).
Genome position (GRCh38, 1-based): chr12:94,367,845, C>T on the plus strand (G>A on the coding strand, the complement: CEP83 is on the minus strand). VCF-style: chr12-94367845-C-T. GRCh37 (hg19) VCF-style: chr12-94761621-C-T.
Other names: c.1292G>A, p.Arg431Gln (NM_001042399.2, NM_001346457.2, NM_001368037.1 and 1 more transcripts); c.980G>A, p.Arg327Gln (NM_001346458.2, NM_001346459.2, NM_001368039.1 and 1 more transcripts); c.1067G>A, p.Arg356Gln (NM_001368041.1); short protein forms R327Q, R431Q, R356Q.
Identifiers: ClinVar variation 949276 (VCV000949276.6), dbSNP rs759737051, ClinGen allele CA6721686.

ClinVar aggregate classification (germline): Uncertain significance (1 of 4 stars; one submission).

Conditions:
Nephronophthisis 18 (NPHP18). Identifiers: Orphanet 655, MedGen C3890591, MONDO:0014374, OMIM 615862.

Allele frequency attached by ClinVar (database versions not stated): ExAC 0.00001; gnomAD 0.00001; gnomAD exomes 0.00001 and 0.00003; TOPMed 0.00002.
gnomAD v4.1: 18 of 1,613,298 alleles (0.0011%); highest among the groups gnomAD compares: East Asian, 0.0067%; no homozygotes.

Submission:

Labcorp Genetics (formerly Invitae), Labcorp
Classification: Uncertain significance for Nephronophthisis 18. Last evaluated: 2024-03-04. Review status: criteria provided, single submitter. Criteria: Invitae Variant Classification Sherloc (09022015). Collection method: clinical testing. Allele origin: germline.
Comment: This sequence change replaces arginine with glutamine at codon 431 of the CEP83 protein (p.Arg431Gln). The arginine residue is highly conserved and there is a small physicochemical difference between arginine and glutamine. This variant is present in population databases (rs759737051, gnomAD 0.01%). This variant has not been reported in the literature in individuals affected with CEP83-related conditions. ClinVar contains an entry for this variant (Variation ID: 949276). Advanced modeling of protein sequence and biophysical properties (such as structural, functional, and spatial information, amino acid conservation, physicochemical variation, residue mobility, and thermodynamic stability) performed at Invitae indicates that this missense variant is not expected to disrupt CEP83 protein function with a negative predictive value of 80%. In summary, the available evidence is currently insufficient to determine the role of this variant in disease. Therefore, it has been classified as a Variant of Uncertain Significance.